The following is an entry in ClinVar:

ClinVar aggregate classification (germline): Uncertain significance (1 of 4 stars; one submission).

Conditions:
Cardiovascular phenotype. Identifiers: MedGen CN230736.

Submission:

Ambry Genetics
Classification: Uncertain significance for Cardiovascular phenotype. Last evaluated: 2025-03-04. Review status: criteria provided, single submitter. Criteria: Ambry Variant Classification Scheme 2023. Collection method: clinical testing. Allele origin: germline.
Comment: The c.1347+1G>A intronic variant results from a G to A substitution one nucleotide after coding exon 15 of the TXNRD2 gene. This nucleotide position is highly conserved in available vertebrate species. In silico splice site analysis predicts that this alteration will weaken the native splice donor site. Alterations that disrupt the canonical splice site are expected to cause aberrant splicing, resulting in an abnormal protein or a transcript that is subject to nonsense-mediated mRNA decay. However, the evidence for this gene-disease relationship is limited; therefore, the clinical significance of this alteration is unclear.

NM_006440.5(TXNRD2):c.1347+1G>A

Gene: TXNRD2 (thioredoxin reductase 2; minus strand). Cytogenetic location: 22q11.21.
Variant type: single nucleotide variant.
Coding change: c.1347+1G>A on transcript NM_006440.5 (MANE Select); the canonical splice donor site of the intron after coding-DNA position 1347, G replaced by A.
Molecular consequence: splice donor variant.
Genome position (GRCh38, 1-based): chr22:19,878,365, C>T on the plus strand (G>A on the coding strand, the complement: TXNRD2 is on the minus strand). VCF-style: chr22-19878365-C-T. GRCh37 (hg19) VCF-style: chr22-19865888-C-T.
Other names: c.1344+1G>A (NM_001352300.2); c.1059+1G>A (NM_001352302.2); c.1257+1G>A (NM_001352301.2).
Identifiers: ClinVar variation 3812627 (VCV003812627.1).